The following is an entry in ClinVar:

ClinVar aggregate classification (germline): Uncertain significance (1 of 4 stars; one submission).

Conditions:
Emery-Dreifuss muscular dystrophy (EDMD). Also called: Scapuloperoneal syndrome, X-linked (formerly); Humeroperoneal neuromuscular disease, (formerly). Identifiers: Orphanet 261, MedGen C0410189, MONDO:0016830.

Submission:

Labcorp Genetics (formerly Invitae), Labcorp
Classification: Uncertain significance for Emery-Dreifuss muscular dystrophy. Last evaluated: 2025-09-13. Review status: criteria provided, single submitter. Criteria: Invitae Variant Classification Sherloc (09022015). Collection method: clinical testing. Allele origin: germline.
Comment: This sequence change replaces threonine, which is neutral and polar, with alanine, which is neutral and non-polar, at codon 227 of the SUN2 protein (p.Thr227Ala). This variant is not present in population databases (gnomAD no frequency). This variant has not been reported in the literature in individuals affected with SUN2-related conditions. An algorithm developed to predict the effect of missense changes on protein structure and function outputs the following: PolyPhen-2: "Benign". The alanine amino acid residue is found in multiple mammalian species, which suggests that this missense change does not adversely affect protein function. In summary, the available evidence is currently insufficient to determine the role of this variant in disease. Therefore, it has been classified as a Variant of Uncertain Significance.

NM_015374.3(SUN2):c.679A>G (p.Thr227Ala)

Gene: SUN2 (Sad1 and UNC84 domain containing 2; minus strand). Cytogenetic location: 22q13.1.
Variant type: single nucleotide variant.
Coding change: c.679A>G on transcript NM_015374.3 (MANE Select); coding-DNA position 679, A replaced by G.
Protein change: p.Thr227Ala; replaces threonine 227 with alanine.
Molecular consequence: missense variant. On other transcripts: intron variant (2).
Genome position (GRCh38, 1-based): chr22:38,748,719, T>C on the plus strand (A>G on the coding strand, the complement: SUN2 is on the minus strand). VCF-style: chr22-38748719-T-C. GRCh37 (hg19) VCF-style: chr22-39144724-T-C.
Other names: c.742A>G, p.Thr248Ala (NM_001199579.2, NM_001394428.1); c.679A>G, p.Thr227Ala (NM_001199580.2, NM_001394427.1, NM_001394431.1 and 7 more transcripts); c.724A>G, p.Thr242Ala (NM_001394429.1, NM_001394430.1); c.589A>G, p.Thr197Ala (NM_001394438.1); c.541A>G, p.Thr181Ala (NM_001394439.1, NM_001394440.1, NM_001394441.1); c.187A>G, p.Thr63Ala (NM_001394443.1); c.614+1047A>G (NM_001394444.1, NM_001394445.1); short protein forms T197A, T181A, T248A, T227A, T242A, T63A.
Identifiers: ClinVar variation 4702979 (VCV004702979.1).
Genomic context (GRCh38, chr22:38,748,719, plus strand): 5'-CCCTCTGGTGAACACATCTCTGTGCCTCCCTCTGCTCTCCCCATGCAGGCTCACCATACG[T>C]CAGGCACGTCAGCAAGAGCAGCGGCAGCAGGAACCAGAGGAACGTCTTCAGGGACGAGAA-3'
Protein context (NP_056189.1, residues 217-237): LLPLLLLTCL[Thr227Ala]YGAWYFYPYG